The following is an entry in ClinVar:

NM_001372044.2(SHANK3):c.4265del (p.Pro1422fs)

Gene: SHANK3 (SH3 and multiple ankyrin repeat domains 3; plus strand). Cytogenetic location: 22q13.33.
Variant type: Deletion.
Coding change: c.4265del on transcript NM_001372044.2 (MANE Select); coding-DNA position 4265, one base deleted (C; older notation c.4265delC).
Protein change: p.Pro1422fs; shifts the reading frame from proline 1422.
Molecular consequence: frameshift variant.
Genome position (GRCh38, 1-based): chr22:50,721,873, C deleted; the last of 5 consecutive C bases (chr22:50,721,869-50,721,873); deleting any one gives the same sequence. VCF-style (leftmost placement, unchanged base first): chr22-50721868-AC-A. GRCh37 (hg19) VCF-style: chr22-51160296-AC-A.
Other names: short protein forms P1422fs.
Identifiers: ClinVar variation 3772557 (VCV003772557.13).

ClinVar aggregate classification (germline): Pathogenic (1 of 4 stars; one submission).

Submission:

CeGaT Center for Human Genetics Tuebingen
Classification: Pathogenic. Last evaluated: 2025-02-01. Review status: criteria provided, single submitter. Criteria: CeGaT Center For Human Genetics Tuebingen Variant Classification Criteria Version 2. Collection method: clinical testing. Allele origin: germline. Affected: yes. Observed: 1 variant allele.
Comment: SHANK3: PVS1, PM2, PS2:Moderate